The following is an entry in ClinVar:

ClinVar aggregate classification (germline): Uncertain significance (1 of 4 stars; one submission).

Allele frequency attached by ClinVar (database versions not stated): gnomAD exomes below 0.00001; gnomAD 0.00001.
gnomAD v4.1: 2 of 1,613,974 alleles (0.00012%); highest among the groups gnomAD compares: Admixed American, 0.0017%; no homozygotes.

Submission:

Labcorp Genetics (formerly Invitae), Labcorp
Classification: Uncertain significance. Last evaluated: 2024-07-19. Review status: criteria provided, single submitter. Criteria: Invitae Variant Classification Sherloc (09022015). Collection method: clinical testing. Allele origin: germline.
Comment: This sequence change replaces arginine, which is basic and polar, with glutamine, which is neutral and polar, at codon 510 of the NBAS protein (p.Arg510Gln). This variant is present in population databases (no rsID available, gnomAD 0.003%). This variant has not been reported in the literature in individuals affected with NBAS-related conditions. ClinVar contains an entry for this variant (Variation ID: 1964767). Advanced modeling of protein sequence and biophysical properties (such as structural, functional, and spatial information, amino acid conservation, physicochemical variation, residue mobility, and thermodynamic stability) performed at Invitae indicates that this missense variant is not expected to disrupt NBAS protein function with a negative predictive value of 95%. In summary, the available evidence is currently insufficient to determine the role of this variant in disease. Therefore, it has been classified as a Variant of Uncertain Significance.

NM_015909.4(NBAS):c.1529G>A (p.Arg510Gln)

Gene: NBAS (NBAS subunit of NRZ tethering complex; minus strand). Cytogenetic location: 2p24.3.
Variant type: single nucleotide variant.
Coding change: c.1529G>A on transcript NM_015909.4 (MANE Select); coding-DNA position 1529, G replaced by A.
Protein change: p.Arg510Gln; replaces arginine 510 with glutamine.
Molecular consequence: missense variant. On other transcripts: non-coding transcript variant (1).
Genome position (GRCh38, 1-based): chr2:15,474,137, C>T on the plus strand (G>A on the coding strand, the complement: NBAS is on the minus strand). VCF-style: chr2-15474137-C-T. GRCh37 (hg19) VCF-style: chr2-15614261-C-T.
Other names: short protein forms R510Q.
Identifiers: ClinVar variation 1964767 (VCV001964767.4), dbSNP rs1398311725, ClinGen allele CA345888023.